The following is an entry in ClinVar:

NM_005121.3(MED13):c.737T>G (p.Leu246Trp)

Gene: MED13 (mediator complex subunit 13; minus strand). Cytogenetic location: 17q23.2.
Variant type: single nucleotide variant.
Coding change: c.737T>G on transcript NM_005121.3 (MANE Select); coding-DNA position 737, T replaced by G.
Protein change: p.Leu246Trp; replaces leucine 246 with tryptophan.
Molecular consequence: missense variant.
Genome position (GRCh38, 1-based): chr17:62,033,864, A>C on the plus strand (T>G on the coding strand, the complement: MED13 is on the minus strand). VCF-style: chr17-62033864-A-C. GRCh37 (hg19) VCF-style: chr17-60111225-A-C.
Other names: short protein forms L246W.
Identifiers: ClinVar variation 775331 (VCV000775331.30), dbSNP rs144337667, ClinGen allele CA8693247.

ClinVar aggregate classification (germline): Benign/Likely benign. Review status: criteria provided, multiple submitters, no conflicts (2 of 4 stars). 5 submissions from 5 submitters: Benign (3); Likely benign (1). 1 of the submissions does not count toward it. Last evaluated 2025-08-18.

Conditions:
MED13-related disorder. Also called: MED13-related condition.

Allele frequency attached by ClinVar (database versions not stated): gnomAD exomes 0.00090 and 0.00180; ExAC 0.00172; ESP Exome Variant Server 0.00402; 1000 Genomes Project 30x 0.00453; gnomAD 0.00474 and 0.00521; 1000 Genomes Project 0.00479; TOPMed 0.00556.
gnomAD v4.1: 2,133 of 1,614,098 alleles (0.13%); highest among the groups gnomAD compares: African/African-American, 1.6%; 17 homozygotes.

Submissions (5):

Genomic Medicine Center of Excellence, King Faisal Specialist Hospital and Research Centre
Classification: Likely benign. Last evaluated: 2025-08-18. Review status: criteria provided, single submitter. Criteria: ACMG Guidelines, 2015. Collection method: clinical testing. Allele origin: germline.

CeGaT Center for Human Genetics Tuebingen
Classification: Benign. Last evaluated: 2024-06-01. Review status: criteria provided, single submitter. Criteria: CeGaT Center For Human Genetics Tuebingen Variant Classification Criteria Version 2. Collection method: clinical testing. Allele origin: germline. Affected: yes. Observed: 5 variant alleles.
Comment: MED13: BS1, BS2

Labcorp Genetics (formerly Invitae), Labcorp
Classification: Benign. Last evaluated: 2018-05-21. Review status: criteria provided, single submitter. Criteria: Invitae Variant Classification Sherloc (09022015). Collection method: clinical testing. Allele origin: germline.

Breakthrough Genomics
Classification: Benign. Review status: criteria provided, single submitter. Criteria: ACMG Guidelines, 2015. Collection method: not provided. Allele origin: germline. Inheritance: Autosomal dominant inheritance. Affected: yes.

PreventionGenetics, part of Exact Sciences
Classification: Benign for MED13-related condition. Last evaluated: 2024-02-26. Review status: no assertion criteria provided. Collection method: clinical testing. Allele origin: germline. Not counted in ClinVar's aggregate classification.
Comment: This variant is classified as benign based on ACMG/AMP sequence variant interpretation guidelines (Richards et al. 2015 PMID: 25741868, with internal and published modifications).